The following is an entry in ClinVar:

NM_001199862.2(KCNAB2):c.1020G>A (p.Leu340=)

Gene: KCNAB2 (potassium voltage-gated channel subfamily A regulatory beta subunit 2; plus strand). Cytogenetic location: 1p36.31.
Variant type: single nucleotide variant.
Coding change: c.1020G>A on transcript NM_001199862.2 (MANE Select); coding-DNA position 1020, G replaced by A.
Protein change: p.Leu340=; no amino-acid change (leucine 340 retained).
Molecular consequence: synonymous variant.
Genome position (GRCh38, 1-based): chr1:6,096,707, G>A. VCF-style: chr1-6096707-G-A. GRCh37 (hg19) VCF-style: chr1-6156767-G-A.
Other names: c.876G>A, p.Leu292= (NM_001199860.2, NM_001199861.2, NM_003636.4); c.675G>A, p.Leu225= (NM_001199863.2); c.834G>A, p.Leu278= (NM_172130.3).
Identifiers: ClinVar variation 3058817 (VCV003058817.2), dbSNP rs538893523, ClinGen allele CA555452.

ClinVar aggregate classification (germline): Likely benign (0 of 4 stars; one submission).

Conditions:
KCNAB2-related disorder. Also called: KCNAB2-related condition.

Allele frequency attached by ClinVar (database versions not stated): gnomAD exomes 0.00001; ExAC 0.00002; gnomAD 0.00002; TOPMed 0.00002; 1000 Genomes Project 30x 0.00016; 1000 Genomes Project 0.00020.
gnomAD v4.1: 14 of 1,600,822 alleles (0.00087%); highest among the groups gnomAD compares: Admixed American, 0.014%; no homozygotes.

Submission:

PreventionGenetics, part of Exact Sciences
Classification: Likely benign for KCNAB2-related condition. Last evaluated: 2019-02-27. Review status: no assertion criteria provided. Collection method: clinical testing. Allele origin: germline.
Comment: This variant is classified as likely benign based on ACMG/AMP sequence variant interpretation guidelines (Richards et al. 2015 PMID: 25741868, with internal and published modifications).